The following is an entry in ClinVar:

NM_001256447.2(BCAP31):c.-44-248C>T

Gene: BCAP31 (B cell receptor associated protein 31; minus strand). Cytogenetic location: Xq28.
Variant type: single nucleotide variant.
Coding change: c.-44-248C>T on transcript NM_001256447.2 (MANE Select); 248 bases into the intron before 44 bases upstream of the start codon, C replaced by T.
Molecular consequence: intron variant. On other transcripts: synonymous variant (1).
Genome position (GRCh38, 1-based): chrX:153,723,536, G>A on the plus strand (C>T on the coding strand, the complement: BCAP31 is on the minus strand). VCF-style: chrX-153723536-G-A. GRCh37 (hg19) VCF-style: chrX-152988991-G-A.
Other names: c.129C>T, p.Asp43= (NM_001139457.2); c.-44-248C>T (NM_005745.8, NM_001139441.1).
Identifiers: ClinVar variation 3771841 (VCV003771841.13).

ClinVar aggregate classification (germline): Likely benign (1 of 4 stars; one submission).

Submission:

CeGaT Center for Human Genetics Tuebingen
Classification: Likely benign. Last evaluated: 2024-12-01. Review status: criteria provided, single submitter. Criteria: CeGaT Center For Human Genetics Tuebingen Variant Classification Criteria Version 2. Collection method: clinical testing. Allele origin: germline. Affected: yes. Observed: 1 variant allele.
Comment: BCAP31: BP4, BP7